The following is an entry in ClinVar:

NM_177438.3(DICER1):c.5268G>A (p.Lys1756=)

Gene: DICER1 (dicer 1, ribonuclease III; minus strand). Cytogenetic location: 14q32.13.
Variant type: single nucleotide variant.
Coding change: c.5268G>A on transcript NM_177438.3 (MANE Select); coding-DNA position 5268, G replaced by A.
Protein change: p.Lys1756=; no amino-acid change (lysine 1756 retained).
Molecular consequence: synonymous variant.
Genome position (GRCh38, 1-based): chr14:95,093,984, C>T on the plus strand (G>A on the coding strand, the complement: DICER1 is on the minus strand). VCF-style: chr14-95093984-C-T. GRCh37 (hg19) VCF-style: chr14-95560321-C-T.
Other names: c.5268G>A, p.Lys1756= (NM_001195573.1, NM_001271282.3, NM_001291628.2 and 1 more transcripts).
Identifiers: ClinVar variation 1077776 (VCV001077776.13), dbSNP rs2139812132, ClinGen allele CA487843818.

ClinVar aggregate classification (germline): Benign/Likely benign. Review status: criteria provided, multiple submitters, no conflicts (2 of 4 stars). 3 submissions from 3 submitters: Benign (1); Likely benign (2). Last evaluated 2026-04-20.

Conditions:
DICER1-related tumor predisposition. Also called: DICER1 syndrome; DICER1-related pleuropulmonary blastoma cancer predisposition syndrome. Identifiers: Orphanet 284343, MedGen C3839822, MONDO:0100216.
Hereditary cancer-predisposing syndrome. Also called: Neoplastic Syndromes, Hereditary; Tumor predisposition; Hereditary Cancer Syndrome; Hereditary neoplastic syndrome. Identifiers: Orphanet 140162, MedGen C0027672, MeSH D009386, MONDO:0015356.

Submissions (3):

Myriad Genetics, Inc.
Classification: Benign for DICER1-related tumor predisposition. Last evaluated: 2026-04-20. Review status: criteria provided, single submitter. Criteria: Myriad Autosomal Dominant, Autosomal Recessive and X-Linked Classification Criteria (2023). Collection method: clinical testing. Allele origin: unknown.
Comment: This variant is considered benign. This variant is a silent/synonymous amino acid change and it is not expected to impact splicing.

Labcorp Genetics (formerly Invitae), Labcorp
Classification: Likely benign for DICER1-related tumor predisposition. Last evaluated: 2023-02-24. Review status: criteria provided, single submitter. Criteria: Invitae Variant Classification Sherloc (09022015). Collection method: clinical testing. Allele origin: germline.

Ambry Genetics
Classification: Likely benign for Hereditary cancer-predisposing syndrome. Last evaluated: 2020-09-03. Review status: criteria provided, single submitter. Criteria: Ambry Variant Classification Scheme 2023. Collection method: clinical testing. Allele origin: germline.